The following is an entry in ClinVar:

NM_002691.4(POLD1):c.971G>C (p.Gly324Ala)

Gene: POLD1 (DNA polymerase delta 1, catalytic subunit; plus strand). Cytogenetic location: 19q13.33.
Variant type: single nucleotide variant.
Coding change: c.971G>C on transcript NM_002691.4 (MANE Select); coding-DNA position 971, G replaced by C.
Protein change: p.Gly324Ala; replaces glycine 324 with alanine.
Molecular consequence: missense variant. On other transcripts: non-coding transcript variant (1).
Genome position (GRCh38, 1-based): chr19:50,403,053, G>C. VCF-style: chr19-50403053-G-C. GRCh37 (hg19) VCF-style: chr19-50906310-G-C.
Other names: c.971G>C, p.Gly324Ala (NM_001256849.1, NM_001308632.1); short protein forms G324A.
Identifiers: ClinVar variation 1447567 (VCV001447567.8), dbSNP rs1388338405, ClinGen allele CA406977661.

ClinVar aggregate classification (germline): Uncertain significance (1 of 4 stars; one submission).

Conditions:
POLD1-related polyposis and colorectal cancer syndrome (CRCS10). Also called: Colorectal cancer 10; COLORECTAL CANCER, SUSCEPTIBILITY TO, ON CHROMOSOME 19q; Colorectal cancer, susceptibility to, 10. Identifiers: Orphanet 220460, MedGen C2675481, MONDO:0012953, OMIM 612591.

gnomAD v4.1: 1 of 1,556,936 alleles (0.000064%); highest among the groups gnomAD compares: Non-Finnish European, 0.000087%; no homozygotes.

Submission:

Labcorp Genetics (formerly Invitae), Labcorp
Classification: Uncertain significance for POLD1-related polyposis and colorectal cancer syndrome. Last evaluated: 2022-01-28. Review status: criteria provided, single submitter. Criteria: Invitae Variant Classification Sherloc (09022015). Collection method: clinical testing. Allele origin: germline.
Comment: In summary, the available evidence is currently insufficient to determine the role of this variant in disease. Therefore, it has been classified as a Variant of Uncertain Significance. Algorithms developed to predict the effect of missense changes on protein structure and function are either unavailable or do not agree on the potential impact of this missense change (SIFT: "Deleterious"; PolyPhen-2: "Probably Damaging"; Align-GVGD: "Class C0"). This variant has not been reported in the literature in individuals affected with POLD1-related conditions. This variant is not present in population databases (gnomAD no frequency). This sequence change replaces glycine, which is neutral and non-polar, with alanine, which is neutral and non-polar, at codon 324 of the POLD1 protein (p.Gly324Ala).